The following is an entry in ClinVar:

NM_001130823.3(DNMT1):c.3032G>A (p.Arg1011Gln)

Gene: DNMT1 (DNA methyltransferase 1; minus strand). Cytogenetic location: 19p13.2.
Variant type: single nucleotide variant.
Coding change: c.3032G>A on transcript NM_001130823.3 (MANE Select); coding-DNA position 3032, G replaced by A.
Protein change: p.Arg1011Gln; replaces arginine 1011 with glutamine.
Molecular consequence: missense variant.
Genome position (GRCh38, 1-based): chr19:10,143,850, C>T on the plus strand (G>A on the coding strand, the complement: DNMT1 is on the minus strand). VCF-style: chr19-10143850-C-T. GRCh37 (hg19) VCF-style: chr19-10254526-C-T.
Other names: c.2984G>A, p.Arg995Gln (NM_001318730.2, NM_001379.4); c.2669G>A, p.Arg890Gln (NM_001318731.2); short protein forms R890Q, R995Q, R1011Q.
Identifiers: ClinVar variation 951773 (VCV000951773.11), dbSNP rs2089649157, ClinGen allele CA403975768.
Genomic context (GRCh38, chr19:10,143,850, plus strand): 5'-TTGATGTCAGTCTCATTGGGCCTGCCGTTGCTCTTCTTGGGACAGAAGATCTCTTTGATC[C>T]GGCCAATTCGGTAGGGCTCAGGGGCATCCAGGTTGCTGCCTTTGATGTAGTCGGAGTATT-3'
Protein context (NP_001124295.1, residues 1001-1021): LDAPEPYRIG[Arg1011Gln]IKEIFCPKKS

ClinVar aggregate classification (germline): Uncertain significance. Review status: criteria provided, multiple submitters, no conflicts (2 of 4 stars). 2 submissions from 2 submitters: Uncertain significance (2). Last evaluated 2022-08-16.

Conditions:
Inborn genetic diseases. Identifiers: MedGen C0950123, MeSH D030342.
Hereditary sensory neuropathy-deafness-dementia syndrome. Also called: Hereditary sensory neuropathy type IE; HSN IE; NEUROPATHY, HEREDITARY SENSORY, WITH HEARING LOSS AND DEMENTIA; Hereditary Sensory and Autonomic Neuropathy Type 1E (HSAN1E). Identifiers: Orphanet 456318, MedGen C3279885, MONDO:0013584, OMIM 614116.

Allele frequency attached by ClinVar (database versions not stated): gnomAD exomes below 0.00001.
gnomAD v4.1: 2 of 1,614,114 alleles (0.00012%); highest among the groups gnomAD compares: Non-Finnish European, 0.00017%; no homozygotes.

Submissions (2):

Labcorp Genetics (formerly Invitae), Labcorp
Classification: Uncertain significance for Hereditary sensory neuropathy-deafness-dementia syndrome. Last evaluated: 2022-08-16. Review status: criteria provided, single submitter. Criteria: Invitae Variant Classification Sherloc (09022015). Collection method: clinical testing. Allele origin: germline.
Comment: This missense change has been observed in individual(s) with clinical features of DNMT1-related conditions (Invitae). In summary, the available evidence is currently insufficient to determine the role of this variant in disease. Therefore, it has been classified as a Variant of Uncertain Significance. Algorithms developed to predict the effect of sequence changes on RNA splicing suggest that this variant may create or strengthen a splice site. Algorithms developed to predict the effect of missense changes on protein structure and function are either unavailable or do not agree on the potential impact of this missense change (SIFT: "Deleterious"; PolyPhen-2: "Benign"; Align-GVGD: "Class C0"). ClinVar contains an entry for this variant (Variation ID: 951773). This variant is not present in population databases (gnomAD no frequency). This sequence change replaces arginine, which is basic and polar, with glutamine, which is neutral and polar, at codon 1011 of the DNMT1 protein (p.Arg1011Gln).

Ambry Genetics
Classification: Uncertain significance for Inborn genetic diseases. Last evaluated: 2021-02-17. Review status: criteria provided, single submitter. Criteria: Ambry Variant Classification Scheme 2023. Collection method: clinical testing. Allele origin: germline.
Comment: The p.R995Q variant (also known as c.2984G>A), located in coding exon 28 of the DNMT1 gene, results from a G to A substitution at nucleotide position 2984. The arginine at codon 995 is replaced by glutamine, an amino acid with highly similar properties. This amino acid position is highly conserved in available vertebrate species. In addition, the in silico prediction for this alteration is inconclusive. Since supporting evidence is limited at this time, the clinical significance of this alteration remains unclear.